The following is an entry in ClinVar:

ClinVar aggregate classification (germline): Uncertain significance (1 of 4 stars; one submission).

Conditions:
Inborn genetic diseases. Identifiers: MedGen C0950123, MeSH D030342.

Submission:

Ambry Genetics
Classification: Uncertain significance for Inborn genetic diseases. Last evaluated: 2025-09-12. Review status: criteria provided, single submitter. Criteria: Ambry Variant Classification Scheme 2023. Collection method: clinical testing. Allele origin: germline.
Comment: The p.C499F variant (also known as c.1496G>T), located in coding exon 17 of the RTEL1 gene, results from a G to T substitution at nucleotide position 1496. The cysteine at codon 499 is replaced by phenylalanine, an amino acid with highly dissimilar properties. This amino acid position is conserved. In addition, this alteration is predicted to be tolerated by in silico analysis. Based on the available evidence, the clinical significance of this variant remains unclear.

NM_001283009.2(RTEL1):c.1496G>T (p.Cys499Phe)

Genes: RTEL1 (regulator of telomere elongation helicase 1; plus strand), RTEL1-TNFRSF6B (RTEL1-TNFRSF6B readthrough (NMD candidate); plus strand). Cytogenetic location: 20q13.33.
Variant type: single nucleotide variant.
Coding change: c.1496G>T on transcript NM_001283009.2 (MANE Select); coding-DNA position 1496, G replaced by T.
Protein change: p.Cys499Phe; replaces cysteine 499 with phenylalanine.
Molecular consequence: missense variant. On other transcripts: non-coding transcript variant (1).
Genome position (GRCh38, 1-based): chr20:63,687,951, G>T. VCF-style: chr20-63687951-G-T. GRCh37 (hg19) VCF-style: chr20-62319304-G-T.
Other names: c.827G>T, p.Cys276Phe (NM_001283010.1); c.1496G>T, p.Cys499Phe (NM_016434.4); c.1568G>T, p.Cys523Phe (NM_032957.5); short protein forms C276F, C499F, C523F.
Identifiers: ClinVar variation 4157737 (VCV004157737.1).